The following is an entry in ClinVar:

NM_017780.4(CHD7):c.4816_4818delinsGGC (p.Cys1606Gly)

Gene: CHD7 (chromodomain helicase DNA binding protein 7; plus strand). Cytogenetic location: 8q12.2.
Variant type: Indel.
Coding change: c.4816_4818delinsGGC on transcript NM_017780.4 (MANE Select); coding-DNA positions 4816 to 4818, TGT replaced by GGC.
Protein change: p.Cys1606Gly; replaces cysteine 1606 with glycine.
Molecular consequence: missense variant. On other transcripts: intron variant (1).
Genome position (GRCh38, 1-based): chr8:60,842,018-60,842,020, TGT replaced by GGC. VCF-style: chr8-60842018-TGT-GGC. GRCh37 (hg19) VCF-style: chr8-61754577-TGT-GGC.
Other names: c.1717-20211_1717-20209delinsGGC (NM_001316690.1); short protein forms C1606G.
Identifiers: ClinVar variation 1687695 (VCV001687695.2), dbSNP rs2150786931, ClinGen allele CA2573143264.

ClinVar aggregate classification (germline): Uncertain significance (1 of 4 stars; one submission).

Submission:

GeneDx
Classification: Uncertain significance. Last evaluated: 2021-11-24. Review status: criteria provided, single submitter. Criteria: GeneDx Variant Classification Process June 2021. Collection method: clinical testing. Allele origin: germline. Affected: yes.
Comment: Not observed at significant frequency in large population cohorts (gnomAD); In silico analysis supports a deleterious effect on protein structure/function; Has not been previously published as pathogenic or benign to our knowledge